The following is an entry in ClinVar:

NM_032119.4(ADGRV1):c.12598G>A (p.Glu4200Lys)

Gene: ADGRV1 (adhesion G protein-coupled receptor V1; plus strand). Cytogenetic location: 5q14.3.
Variant type: single nucleotide variant.
Coding change: c.12598G>A on transcript NM_032119.4 (MANE Select); coding-DNA position 12598, G replaced by A.
Protein change: p.Glu4200Lys; replaces glutamic acid 4200 with lysine.
Molecular consequence: missense variant. On other transcripts: non-coding transcript variant (1).
Genome position (GRCh38, 1-based): chr5:90,777,975, G>A. VCF-style: chr5-90777975-G-A. GRCh37 (hg19) VCF-style: chr5-90073792-G-A.
Other names: short protein forms E4200K.
Identifiers: ClinVar variation 3838014 (VCV003838014.2).

ClinVar aggregate classification (germline): Uncertain significance. Review status: criteria provided, multiple submitters, no conflicts (2 of 4 stars). 2 submissions from 2 submitters: Uncertain significance (2). Last evaluated 2025-05-05.

Conditions:
Inborn genetic diseases. Identifiers: MedGen C0950123, MeSH D030342.

gnomAD v4.1: 1 of 1,608,688 alleles (0.000062%); highest among the groups gnomAD compares: Admixed American, 0.0017%; no homozygotes.

Submissions (2):

GeneDx
Classification: Uncertain significance. Last evaluated: 2025-05-05. Review status: criteria provided, single submitter. Criteria: GeneDx Variant Classification Process June 2021. Collection method: clinical testing. Allele origin: germline. Affected: yes.
Comment: Not observed at significant frequency in large population cohorts (gnomAD); In silico analysis suggests that this missense variant does not alter protein structure/function; Has not been previously published as pathogenic or benign to our knowledge

Ambry Genetics
Classification: Uncertain significance for Inborn genetic diseases. Last evaluated: 2025-03-03. Review status: criteria provided, single submitter. Criteria: Ambry Variant Classification Scheme 2023. Collection method: clinical testing. Allele origin: germline.